The following is an entry in ClinVar:

ClinVar aggregate classification (germline): Likely pathogenic. Review status: criteria provided, single submitter (1 of 4 stars). 2 submissions from 2 submitters: Likely pathogenic (1). 1 of the submissions does not count toward it. Last evaluated 2024-03-22.

Conditions:
Citrullinemia type I (CTNL1). Also called: ASS DEFICIENCY; argininosuccinate synthetase deficiency. Identifiers: Orphanet 247525, MedGen C4721769, MONDO:0008988, OMIM 215700.

Allele frequency attached by ClinVar (database versions not stated): gnomAD exomes below 0.00001.
gnomAD v4.1: 1 of 1,609,702 alleles (0.000062%); highest among the groups gnomAD compares: East Asian, 0.0022%; no homozygotes.

Submissions (2):

Natera, Inc.
Classification: Likely pathogenic for Citrullinemia type I. Last evaluated: 2024-03-22. Review status: criteria provided, single submitter. Criteria: Natera Variant Classification Schema (03/2026). Collection method: clinical testing. Allele origin: germline.
Comment: The c.1127+1G>A variant in ASS1 is a canonical splice donor site variant predicted to affect pre-mRNA splicing, which may result in an abnormal transcript and altered protein product. This variant is expected to result in nonsense mediated decay, truncation, or a dysfunctional protein product. This variant is rare in the general population with a frequency below the threshold expected for the associated phenotype(s). Given the available evidence, this variant is classified as Likely Pathogenic.

Counsyl
Classification: Likely pathogenic for Citrullinemia type I. Last evaluated: 2016-11-02. Review status: no assertion criteria provided. Collection method: clinical testing. Allele origin: unknown. Not counted in ClinVar's aggregate classification.

NM_054012.4(ASS1):c.1127+1G>A

Gene: ASS1 (argininosuccinate synthase 1; plus strand). Cytogenetic location: 9q34.11.
Variant type: single nucleotide variant.
Coding change: c.1127+1G>A on transcript NM_054012.4 (MANE Select); the canonical splice donor site of the intron after coding-DNA position 1127, G replaced by A.
Molecular consequence: splice donor variant.
Genome position (GRCh38, 1-based): chr9:130,495,024, G>A. VCF-style: chr9-130495024-G-A. GRCh37 (hg19) VCF-style: chr9-133370411-G-A.
Other names: c.1127+1G>A (NM_000050.4).
Identifiers: ClinVar variation 371603 (VCV000371603.4), dbSNP rs1057517402, ClinGen allele CA16041304.